The following is an entry in ClinVar:

NM_015271.5(TRIM2):c.1783-3C>T

Gene: TRIM2 (tripartite motif containing 2; plus strand). Cytogenetic location: 4q31.3.
Variant type: single nucleotide variant.
Coding change: c.1783-3C>T on transcript NM_015271.5 (MANE Select); 3 bases into the intron before coding-DNA position 1783, C replaced by T.
Molecular consequence: intron variant.
Genome position (GRCh38, 1-based): chr4:153,322,645, C>T. VCF-style: chr4-153322645-C-T. GRCh37 (hg19) VCF-style: chr4-154243797-C-T.
Other names: c.1702-3C>T (NM_001375517.1, NM_001375514.1, NM_001438045.1 and 10 more transcripts); c.1444-3C>T (NM_001375525.1, NM_001375523.1, NM_001375522.1); c.1327-3C>T (NM_001351057.2); c.1876-3C>T (NM_001375488.1); c.1783-3C>T (NM_001438618.1); c.1726-3C>T (NM_001375490.1); c.1450-3C>T (NM_001375519.1); c.1873-3C>T (NM_001375489.1); and 5 more.
Identifiers: ClinVar variation 4717309 (VCV004717309.1).

ClinVar aggregate classification (germline): Uncertain significance (1 of 4 stars; one submission).

Conditions:
Charcot-Marie-Tooth disease type 2R. Also called: CHARCOT-MARIE-TOOTH DISEASE, AXONAL, AUTOSOMAL RECESSIVE, TYPE 2R; Charcot-Marie-Tooth disease, axonal, type 2R; CHARCOT-MARIE-TOOTH NEUROPATHY, TYPE 2R. Identifiers: Orphanet 397968, MedGen C3809655, MONDO:0014208, OMIM 615490.

Submission:

Labcorp Genetics (formerly Invitae), Labcorp
Classification: Uncertain significance for Charcot-Marie-Tooth disease type 2R. Last evaluated: 2025-04-11. Review status: criteria provided, single submitter. Criteria: Invitae Variant Classification Sherloc (09022015). Collection method: clinical testing. Allele origin: germline.
Comment: This sequence change falls in intron 8 of the TRIM2 gene. It does not directly change the encoded amino acid sequence of the TRIM2 protein. It affects a nucleotide within the consensus splice site. This variant is not present in population databases (gnomAD no frequency). This variant has not been reported in the literature in individuals affected with TRIM2-related conditions. Variants that disrupt the consensus splice site are a relatively common cause of aberrant splicing (PMID: 17576681, 9536098). Algorithms developed to predict the effect of sequence changes on RNA splicing suggest that this variant is not likely to affect RNA splicing. In summary, the available evidence is currently insufficient to determine the role of this variant in disease. Therefore, it has been classified as a Variant of Uncertain Significance.

Literature cited by the submitters: PubMed 17576681; PubMed 9536098.